The following is an entry in ClinVar:

NM_001042492.3(NF1):c.1907C>T (p.Ser636Phe)

Gene: NF1 (neurofibromin 1; plus strand). Cytogenetic location: 17q11.2.
Variant type: single nucleotide variant.
Coding change: c.1907C>T on transcript NM_001042492.3 (MANE Select); coding-DNA position 1907, C replaced by T.
Protein change: p.Ser636Phe; replaces serine 636 with phenylalanine.
Molecular consequence: missense variant.
Genome position (GRCh38, 1-based): chr17:31,225,156, C>T. VCF-style: chr17-31225156-C-T. GRCh37 (hg19) VCF-style: chr17-29552174-C-T.
Other names: c.1907C>T, p.Ser636Phe (NM_000267.4); short protein forms S636F.
Identifiers: ClinVar variation 457556 (VCV000457556.5), dbSNP rs780412565, ClinGen allele CA399005259.

ClinVar aggregate classification (germline): Uncertain significance (1 of 4 stars; one submission).

Conditions:
Neurofibromatosis, type 1 (NF1). Also called: VON RECKLINGHAUSEN DISEASE; NEUROFIBROMATOSIS, TYPE I, SOMATIC; Peripheral type neurofibromatosis; Neurofibromatosis, type I. Identifiers: Orphanet 636, MedGen C0027831, MONDO:0018975, OMIM 162200. Disease mechanism: loss of function.

Submission:

Labcorp Genetics (formerly Invitae), Labcorp
Classification: Uncertain significance for Neurofibromatosis, type 1. Last evaluated: 2025-02-06. Review status: criteria provided, single submitter. Criteria: Invitae Variant Classification Sherloc (09022015). Collection method: clinical testing. Allele origin: germline.
Comment: This sequence change replaces serine, which is neutral and polar, with phenylalanine, which is neutral and non-polar, at codon 636 of the NF1 protein (p.Ser636Phe). This variant is not present in population databases (gnomAD no frequency). This variant has not been reported in the literature in individuals affected with NF1-related conditions. ClinVar contains an entry for this variant (Variation ID: 457556). Invitae Evidence Modeling of protein sequence and biophysical properties (such as structural, functional, and spatial information, amino acid conservation, physicochemical variation, residue mobility, and thermodynamic stability) indicates that this missense variant is not expected to disrupt NF1 protein function with a negative predictive value of 95%. In summary, the available evidence is currently insufficient to determine the role of this variant in disease. Therefore, it has been classified as a Variant of Uncertain Significance.